The following is an entry in ClinVar:

NM_001006658.3(CR2):c.1622G>T (p.Ser541Ile)

Gene: CR2 (complement C3d receptor 2; plus strand). Cytogenetic location: 1q32.2.
Variant type: single nucleotide variant.
Coding change: c.1622G>T on transcript NM_001006658.3 (MANE Select); coding-DNA position 1622, G replaced by T.
Protein change: p.Ser541Ile; replaces serine 541 with isoleucine.
Molecular consequence: missense variant.
Genome position (GRCh38, 1-based): chr1:207,472,823, G>T. VCF-style: chr1-207472823-G-T. GRCh37 (hg19) VCF-style: chr1-207646168-G-T.
Other names: c.1622G>T, p.Ser541Ile (NM_001877.5); short protein forms S541I.
Identifiers: ClinVar variation 540319 (VCV000540319.17), dbSNP rs144075435, ClinGen allele CA1368780.

ClinVar aggregate classification (germline): Benign/Likely benign. Review status: criteria provided, multiple submitters, no conflicts (2 of 4 stars). 5 submissions from 5 submitters: Benign (2); Likely benign (2). 1 of the submissions does not count toward it. Last evaluated 2026-02-01.

Conditions:
CR2-related disorder. Also called: CR2-related condition; CR2-related disorders.
Immunodeficiency, common variable, 7. Identifiers: Orphanet 1572, Orphanet 696894, MedGen C3542922, MONDO:0013862, OMIM 614699.

Allele frequency attached by ClinVar (database versions not stated): gnomAD exomes 0.00127; ExAC 0.00154; gnomAD 0.00488 and 0.00520; 1000 Genomes Project 30x 0.00531; ESP Exome Variant Server 0.00538; 1000 Genomes Project 0.00539; TOPMed 0.00551.
gnomAD v4.1: 1,594 of 1,613,978 alleles (0.099%); highest among the groups gnomAD compares: African/African-American, 1.8%; 17 homozygotes.

Submissions (5):

Labcorp Genetics (formerly Invitae), Labcorp
Classification: Benign for Immunodeficiency, common variable, 7. Last evaluated: 2026-02-01. Review status: criteria provided, single submitter. Criteria: Invitae Variant Classification Sherloc (09022015). Collection method: clinical testing. Allele origin: germline.

Women's Health and Genetics/Laboratory Corporation of America, LabCorp
Classification: Likely benign. Last evaluated: 2026-01-22. Review status: criteria provided, single submitter. Criteria: LabCorp Variant Classification Summary - May 2015. Collection method: clinical testing. Allele origin: germline.

Blueprint Genetics
Classification: Likely benign. Last evaluated: 2024-11-01. Review status: criteria provided, single submitter. Criteria: ACMG Guidelines, 2015. Collection method: clinical testing. Allele origin: germline.

Breakthrough Genomics
Classification: Benign. Review status: criteria provided, single submitter. Criteria: ACMG Guidelines, 2015. Collection method: not provided. Allele origin: germline. Inheritance: Autosomal recessive inheritance. Affected: yes.

PreventionGenetics, part of Exact Sciences
Classification: Likely benign for CR2-related condition. Last evaluated: 2023-09-16. Review status: no assertion criteria provided. Collection method: clinical testing. Allele origin: germline. Not counted in ClinVar's aggregate classification.
Comment: This variant is classified as likely benign based on ACMG/AMP sequence variant interpretation guidelines (Richards et al. 2015 PMID: 25741868, with internal and published modifications).